The following is an entry in ClinVar:

NM_000245.4(MET):c.2848G>A (p.Gly950Arg)

Gene: MET (MET proto-oncogene, receptor tyrosine kinase; plus strand). Cytogenetic location: 7q31.2.
Variant type: single nucleotide variant.
Coding change: c.2848G>A on transcript NM_000245.4 (MANE Select); coding-DNA position 2848, G replaced by A.
Protein change: p.Gly950Arg; replaces glycine 950 with arginine.
Molecular consequence: missense variant.
Genome position (GRCh38, 1-based): chr7:116,771,615, G>A. VCF-style: chr7-116771615-G-A. GRCh37 (hg19) VCF-style: chr7-116411669-G-A.
Other names: c.2902G>A, p.Gly968Arg (NM_001127500.3); c.1558G>A, p.Gly520Arg (NM_001324402.2); short protein forms G520R, G950R, G968R.
Identifiers: ClinVar variation 3375902 (VCV003375902.1).

ClinVar aggregate classification (germline): Uncertain significance (1 of 4 stars; one submission).

Submission:

GeneDx
Classification: Uncertain significance. Last evaluated: 2024-05-10. Review status: criteria provided, single submitter. Criteria: GeneDx Variant Classification Process June 2021. Collection method: clinical testing. Allele origin: germline. Affected: yes.
Comment: Not observed at significant frequency in large population cohorts (gnomAD); In silico analysis supports that this missense variant has a deleterious effect on protein structure/function; Has not been previously published as pathogenic or benign to our knowledge